The following is an entry in ClinVar:

ClinVar aggregate classification (germline): Uncertain significance. Review status: criteria provided, multiple submitters, no conflicts (2 of 4 stars). 2 submissions from 2 submitters: Uncertain significance (2). Last evaluated 2024-03-19.

Conditions:
Infantile spasms. Also called: Infantile spasm. Identifiers: MedGen C3887898, HP:0012469.

Allele frequency attached by ClinVar (database versions not stated): TOPMed 0.00004.
gnomAD v4.1: 5 of 1,599,562 alleles (0.00031%); highest among the groups gnomAD compares: Admixed American, 0.0051%; no homozygotes.

Submissions (2):

Labcorp Genetics (formerly Invitae), Labcorp
Classification: Uncertain significance for Infantile spasms. Last evaluated: 2024-03-19. Review status: criteria provided, single submitter. Criteria: Invitae Variant Classification Sherloc (09022015). Collection method: clinical testing. Allele origin: germline.
Comment: This sequence change replaces threonine, which is neutral and polar, with arginine, which is basic and polar, at codon 726 of the PIK3AP1 protein (p.Thr726Arg). This variant is not present in population databases (gnomAD no frequency). This variant has not been reported in the literature in individuals affected with PIK3AP1-related conditions. ClinVar contains an entry for this variant (Variation ID: 578637). An algorithm developed to predict the effect of missense changes on protein structure and function (PolyPhen-2) suggests that this variant is likely to be tolerated. In summary, the available evidence is currently insufficient to determine the role of this variant in disease. Therefore, it has been classified as a Variant of Uncertain Significance.

New York Genome Center
Classification: Uncertain significance. Last evaluated: 2021-03-05. Review status: criteria provided, single submitter. Criteria: NYGC Assertion Criteria 2020. Collection method: clinical testing. Allele origin: inherited. Observed: 1 heterozygote. Study: CSER-NYCKidSeq.
Comment: The inherited c.2177C>G (p.Thr726Arg) variant in exon 15 of 17 of PIK3AP1 has not been reported in affected individuals in the available literature. This variant is present in gnomAD at a low frequency (4/152062 heterozygotes, allele frequency =0.0000263, no homozygotes), suggesting it is not a common benign variant in the populations represented in this database. In silico predictors suggest this variant is Benign (REVEL; score: 0.024) and Tolerated (SIFT; score: 0.234). This variant was reported once in ClinVar database as a variant of uncertain significance (VarID:578637). Given the current evidence regarding its pathogenicity, the inherited c.2177C>G (p.Thr726Arg) variant identified in the PIK3AP1 gene is classified as a Variant of Uncertain Significance.

NM_152309.3(PIK3AP1):c.2177C>G (p.Thr726Arg)

Gene: PIK3AP1 (phosphoinositide-3-kinase adaptor protein 1; minus strand). Cytogenetic location: 10q24.1.
Variant type: single nucleotide variant.
Coding change: c.2177C>G on transcript NM_152309.3 (MANE Select); coding-DNA position 2177, C replaced by G.
Protein change: p.Thr726Arg; replaces threonine 726 with arginine.
Molecular consequence: missense variant.
Genome position (GRCh38, 1-based): chr10:96,604,043, G>C on the plus strand (C>G on the coding strand, the complement: PIK3AP1 is on the minus strand). VCF-style: chr10-96604043-G-C. GRCh37 (hg19) VCF-style: chr10-98363800-G-C.
Other names: short protein forms T726R.
Identifiers: ClinVar variation 578637 (VCV000578637.10), dbSNP rs113976248, ClinGen allele CA377750053.